The following is an entry in ClinVar:

NM_001145165.2(DOHH):c.30C>T (p.Ile10=)

Gene: DOHH (deoxyhypusine hydroxylase; minus strand). Cytogenetic location: 19p13.3.
Variant type: single nucleotide variant.
Coding change: c.30C>T on transcript NM_001145165.2 (MANE Select); coding-DNA position 30, C replaced by T.
Protein change: p.Ile10=; no amino-acid change (isoleucine 10 retained).
Molecular consequence: synonymous variant.
Genome position (GRCh38, 1-based): chr19:3,496,785, G>A on the plus strand (C>T on the coding strand, the complement: DOHH is on the minus strand). VCF-style: chr19-3496785-G-A. GRCh37 (hg19) VCF-style: chr19-3496783-G-A.
Other names: c.30C>T, p.Ile10= (NM_031304.5).
Identifiers: ClinVar variation 5039024 (VCV005039024.1).

ClinVar aggregate classification (germline): Likely benign (1 of 4 stars; one submission).

gnomAD v4.1: 156 of 1,599,004 alleles (0.0098%); highest among the groups gnomAD compares: African/African-American, 0.084%; no homozygotes.

Submission:

CeGaT Center for Human Genetics Tuebingen
Classification: Likely benign. Last evaluated: 2026-07-01. Review status: criteria provided, single submitter. Criteria: CeGaT Center For Human Genetics Tuebingen Variant Classification Criteria Version 2. Collection method: clinical testing. Allele origin: germline. Affected: yes. Observed: 1 variant allele.
Comment: DOHH: BP4, BP7